The following is an entry in ClinVar:

ClinVar aggregate classification (germline): Uncertain significance (1 of 4 stars; one submission).

Conditions:
Early-infantile DEE. Also called: Early infantile epileptic encephalopathy with suppression bursts; Early infantile epileptic encephalopathy; Ohtahara syndrome. Identifiers: Orphanet 1934, MedGen C0393706, MONDO:0800491.

Allele frequency attached by ClinVar (database versions not stated): gnomAD exomes below 0.00001.
gnomAD v4.1: 1 of 1,614,106 alleles (0.000062%); highest among the groups gnomAD compares: Non-Finnish European, 0.000085%; no homozygotes.

Submission:

Labcorp Genetics (formerly Invitae), Labcorp
Classification: Uncertain significance for Early-infantile DEE. Last evaluated: 2022-10-16. Review status: criteria provided, single submitter. Criteria: Invitae Variant Classification Sherloc (09022015). Collection method: clinical testing. Allele origin: germline.
Comment: Algorithms developed to predict the effect of missense changes on protein structure and function (SIFT, PolyPhen-2, Align-GVGD) all suggest that this variant is likely to be disruptive. In summary, the available evidence is currently insufficient to determine the role of this variant in disease. Therefore, it has been classified as a Variant of Uncertain Significance. This sequence change replaces alanine, which is neutral and non-polar, with threonine, which is neutral and polar, at codon 2102 of the SPTAN1 protein (p.Ala2102Thr). This variant is not present in population databases (gnomAD no frequency). This variant has not been reported in the literature in individuals affected with SPTAN1-related conditions.

NM_001130438.3(SPTAN1):c.6304G>A (p.Ala2102Thr)

Gene: SPTAN1 (spectrin alpha, non-erythrocytic 1; plus strand). Cytogenetic location: 9q34.11.
Variant type: single nucleotide variant.
Coding change: c.6304G>A on transcript NM_001130438.3 (MANE Select); coding-DNA position 6304, G replaced by A.
Protein change: p.Ala2102Thr; replaces alanine 2102 with threonine.
Molecular consequence: missense variant.
Genome position (GRCh38, 1-based): chr9:128,626,415, G>A. VCF-style: chr9-128626415-G-A. GRCh37 (hg19) VCF-style: chr9-131388694-G-A.
Other names: c.6229G>A, p.Ala2077Thr (NM_001195532.2); c.6304G>A, p.Ala2102Thr (NM_001363759.2, NM_001375310.1, NM_001375311.2 and 1 more transcripts); c.6244G>A, p.Ala2082Thr (NM_001363765.2, NM_001375314.2); c.6340G>A, p.Ala2114Thr (NM_001375312.2, NM_001375318.1); c.6289G>A, p.Ala2097Thr (NM_003127.4); short protein forms A2077T, A2082T, A2097T, A2102T, A2114T.
Identifiers: ClinVar variation 1721718 (VCV001721718.5), dbSNP rs2542207016, ClinGen allele CA375087941.